The following is an entry in ClinVar:

NM_024675.4(PALB2):c.892G>T (p.Val298Phe)

Gene: PALB2 (partner and localizer of BRCA2; minus strand). Cytogenetic location: 16p12.2.
Variant type: single nucleotide variant.
Coding change: c.892G>T on transcript NM_024675.4 (MANE Select); coding-DNA position 892, G replaced by T.
Protein change: p.Val298Phe; replaces valine 298 with phenylalanine.
Molecular consequence: missense variant. On other transcripts: intron variant (3).
Genome position (GRCh38, 1-based): chr16:23,635,654, C>A on the plus strand (G>T on the coding strand, the complement: PALB2 is on the minus strand). VCF-style: chr16-23635654-C-A. GRCh37 (hg19) VCF-style: chr16-23646975-C-A.
Other names: c.832G>T, p.Val278Phe (NM_001407296.1); c.892G>T, p.Val298Phe (NM_001407297.1, NM_001407298.1, NM_001407299.1 and 3 more transcripts); c.7G>T, p.Val3Phe (NM_001407304.1, NM_001407305.1, NM_001407306.1 and 5 more transcripts); c.48+5456G>T (NM_001407314.1); c.-104-5185G>T (NM_001407313.1, NM_001407312.1); short protein forms V278F, V298F, V3F.
Identifiers: ClinVar variation 4744713 (VCV004744713.1).

ClinVar aggregate classification (germline): Uncertain significance (1 of 4 stars; one submission).

Conditions:
Familial cancer of breast. Also called: BREAST CANCER, FAMILIAL; Hereditary breast cancer; hereditary breast carcinoma. Identifiers: Orphanet 227535, MedGen C0346153, MONDO:0016419, OMIM 114480. Disease mechanism: loss of function.

Submission:

Labcorp Genetics (formerly Invitae), Labcorp
Classification: Uncertain significance for Familial cancer of breast. Last evaluated: 2025-05-11. Review status: criteria provided, single submitter. Criteria: Invitae Variant Classification Sherloc (09022015). Collection method: clinical testing. Allele origin: germline.
Comment: This sequence change replaces valine, which is neutral and non-polar, with phenylalanine, which is neutral and non-polar, at codon 298 of the PALB2 protein (p.Val298Phe). This variant is not present in population databases (gnomAD no frequency). This variant has not been reported in the literature in individuals affected with PALB2-related conditions. Invitae Evidence Modeling of protein sequence and biophysical properties (such as structural, functional, and spatial information, amino acid conservation, physicochemical variation, residue mobility, and thermodynamic stability) indicates that this missense variant is not expected to disrupt PALB2 protein function with a negative predictive value of 80%. In summary, the available evidence is currently insufficient to determine the role of this variant in disease. Therefore, it has been classified as a Variant of Uncertain Significance.